The following is an entry in ClinVar:

ClinVar aggregate classification (germline): Uncertain significance (1 of 4 stars; one submission).

gnomAD v4.1: 1 of 1,596,142 alleles (0.000063%); highest among the groups gnomAD compares: African/African-American, 0.0013%; no homozygotes.

Submission:

Labcorp Genetics (formerly Invitae), Labcorp
Classification: Uncertain significance. Last evaluated: 2022-04-14. Review status: criteria provided, single submitter. Criteria: Invitae Variant Classification Sherloc (09022015). Collection method: clinical testing. Allele origin: germline.
Comment: Algorithms developed to predict the effect of missense changes on protein structure and function (SIFT, PolyPhen-2, Align-GVGD) all suggest that this variant is likely to be tolerated. In summary, the available evidence is currently insufficient to determine the role of this variant in disease. Therefore, it has been classified as a Variant of Uncertain Significance. This variant has not been reported in the literature in individuals affected with USH1C-related conditions. This variant is not present in population databases (gnomAD no frequency). This sequence change replaces aspartic acid, which is acidic and polar, with tyrosine, which is neutral and polar, at codon 417 of the USH1C protein (p.Asp417Tyr).

NM_005709.4(USH1C):c.1249G>T (p.Asp417Tyr)

Gene: USH1C (USH1 protein network component harmonin; minus strand). Cytogenetic location: 11p15.1.
Variant type: single nucleotide variant.
Coding change: c.1249G>T on transcript NM_005709.4 (MANE Plus Clinical); coding-DNA position 1249, G replaced by T.
Protein change: p.Asp417Tyr; replaces aspartic acid 417 with tyrosine.
Molecular consequence: missense variant. On other transcripts: intron variant (1).
Genome position (GRCh38, 1-based): chr11:17,517,436, C>A on the plus strand (G>T on the coding strand, the complement: USH1C is on the minus strand). VCF-style: chr11-17517436-C-A. GRCh37 (hg19) VCF-style: chr11-17538983-C-A.
Other names: c.1192G>T, p.Asp398Tyr (NM_001297764.2); c.1211-1146G>T (NM_153676.4); short protein forms D398Y, D417Y.
Identifiers: ClinVar variation 2125643 (VCV002125643.4), dbSNP rs762723760, ClinGen allele CA379782536.